The following is an entry in ClinVar:

ClinVar aggregate classification (germline): Uncertain significance (1 of 4 stars; one submission).

Allele frequency attached by ClinVar (database versions not stated): ExAC 0.00002; gnomAD exomes 0.00001.
gnomAD v4.1: 13 of 1,612,666 alleles (0.00081%); highest among the groups gnomAD compares: Non-Finnish European, 0.001%; no homozygotes.

Submission:

Labcorp Genetics (formerly Invitae), Labcorp
Classification: Uncertain significance. Last evaluated: 2024-10-30. Review status: criteria provided, single submitter. Criteria: Invitae Variant Classification Sherloc (09022015). Collection method: clinical testing. Allele origin: germline.
Comment: This sequence change replaces proline, which is neutral and non-polar, with leucine, which is neutral and non-polar, at codon 465 of the SLC34A3 protein (p.Pro465Leu). This variant is present in population databases (rs777056115, gnomAD 0.002%). This variant has not been reported in the literature in individuals affected with SLC34A3-related conditions. ClinVar contains an entry for this variant (Variation ID: 1061470). Invitae Evidence Modeling of protein sequence and biophysical properties (such as structural, functional, and spatial information, amino acid conservation, physicochemical variation, residue mobility, and thermodynamic stability) indicates that this missense variant is expected to disrupt SLC34A3 protein function with a positive predictive value of 80%. In summary, the available evidence is currently insufficient to determine the role of this variant in disease. Therefore, it has been classified as a Variant of Uncertain Significance.

NM_001177316.2(SLC34A3):c.1394C>T (p.Pro465Leu)

Gene: SLC34A3 (solute carrier family 34 member 3; plus strand). Cytogenetic location: 9q34.3.
Variant type: single nucleotide variant.
Coding change: c.1394C>T on transcript NM_001177316.2 (MANE Select); coding-DNA position 1394, C replaced by T.
Protein change: p.Pro465Leu; replaces proline 465 with leucine.
Molecular consequence: missense variant.
Genome position (GRCh38, 1-based): chr9:137,236,010, C>T. VCF-style: chr9-137236010-C-T. GRCh37 (hg19) VCF-style: chr9-140130462-C-T.
Other names: c.1394C>T, p.Pro465Leu (NM_001177317.2, NM_080877.3); short protein forms P465L.
Identifiers: ClinVar variation 1061470 (VCV001061470.8), dbSNP rs777056115, ClinGen allele CA5364934.